The following is an entry in ClinVar:

NM_001287.6(CLCN7):c.747G>A (p.Pro249=)

Gene: CLCN7 (Cl-/H+ antiporter 7; minus strand). Cytogenetic location: 16p13.3.
Variant type: single nucleotide variant.
Coding change: c.747G>A on transcript NM_001287.6 (MANE Select); coding-DNA position 747, G replaced by A.
Protein change: p.Pro249=; no amino-acid change (proline 249 retained).
Molecular consequence: synonymous variant.
Genome position (GRCh38, 1-based): chr16:1,457,329, C>T on the plus strand (G>A on the coding strand, the complement: CLCN7 is on the minus strand). VCF-style: chr16-1457329-C-T. GRCh37 (hg19) VCF-style: chr16-1507330-C-T.
Other names: c.675G>A, p.Pro225= (NM_001114331.3).
Identifiers: ClinVar variation 747843 (VCV000747843.17), dbSNP rs199790407, ClinGen allele CA7810585.
Genomic context (GRCh38, chr16:1,457,329, plus strand): 5'-CAGTGACGTTGACCTTCCCTGAGAGATCCCGGCGGCAATCACTGAACCTGAGTGGATCAT[C>T]GGCCCTTCCTGGAGACCAGAAGGACCGGTGCTCAGAGACACGCGTGACGCGGCCCTTCCT-3'
Protein context (NP_001278.1, residues 239-259): VGGLAVGKEG[Pro249=]MIHSGSVIAA

ClinVar aggregate classification (germline): Likely benign. Review status: criteria provided, multiple submitters, no conflicts (2 of 4 stars). 3 submissions from 3 submitters: Likely benign (3). Last evaluated 2026-09-01.

Allele frequency attached by ClinVar (database versions not stated): gnomAD 0.00019 and 0.00027; 1000 Genomes Project 0.00020; ESP Exome Variant Server 0.00023; TOPMed 0.00031; gnomAD exomes 0.00034; ExAC 0.00048.
gnomAD v4.1: 542 of 1,613,530 alleles (0.034%); highest among the groups gnomAD compares: South Asian, 0.18%; 1 homozygote.

Submissions (3):

CeGaT Center for Human Genetics Tuebingen
Classification: Likely benign. Last evaluated: 2026-09-01. Review status: criteria provided, single submitter. Criteria: CeGaT Center For Human Genetics Tuebingen Variant Classification Criteria Version 2. Collection method: clinical testing. Allele origin: germline. Affected: yes. Observed: 3 variant alleles.
Comment: CLCN7: BP4, BP7

Labcorp Genetics (formerly Invitae), Labcorp
Classification: Likely benign. Last evaluated: 2026-01-25. Review status: criteria provided, single submitter. Criteria: Invitae Variant Classification Sherloc (09022015). Collection method: clinical testing. Allele origin: germline.

Blueprint Genetics
Classification: Likely benign. Last evaluated: 2024-11-05. Review status: criteria provided, single submitter. Criteria: ACMG Guidelines, 2015. Collection method: clinical testing. Allele origin: germline.